The following is an entry in ClinVar:

NM_152743.4(BRAT1):c.1555T>C (p.Ser519Pro)

Gene: BRAT1 (BRCA1 associated ATM activator 1; minus strand). Cytogenetic location: 7p22.3.
Variant type: single nucleotide variant.
Coding change: c.1555T>C on transcript NM_152743.4 (MANE Select); coding-DNA position 1555, T replaced by C.
Protein change: p.Ser519Pro; replaces serine 519 with proline.
Molecular consequence: missense variant. On other transcripts: non-coding transcript variant (1).
Genome position (GRCh38, 1-based): chr7:2,539,586, A>G on the plus strand (T>C on the coding strand, the complement: BRAT1 is on the minus strand). VCF-style: chr7-2539586-A-G. GRCh37 (hg19) VCF-style: chr7-2579220-A-G.
Other names: c.1555T>C, p.Ser519Pro (NM_001350626.2); c.1030T>C, p.Ser344Pro (NM_001350627.2); short protein forms S519P, S344P.
Identifiers: ClinVar variation 568726 (VCV000568726.14), dbSNP rs1300644959, ClinGen allele CA366627612.

ClinVar aggregate classification (germline): Conflicting classifications of pathogenicity. Review status: criteria provided, conflicting classifications (1 of 4 stars). 3 submissions from 3 submitters: Likely pathogenic (1); Uncertain significance (2). Last evaluated 2025-12-01.

Conditions:
Inborn genetic diseases. Identifiers: MedGen C0950123, MeSH D030342.
Neonatal-onset encephalopathy with rigidity and seizures. Also called: Lethal neonatal spasticity-epileptic encephalopathy syndrome. Identifiers: Orphanet 435845, MedGen C3281029, MONDO:0013784, OMIM 614498.

Allele frequency attached by ClinVar (database versions not stated): gnomAD exomes below 0.00001; gnomAD 0.00001; TOPMed 0.00002.
gnomAD v4.1: 105 of 1,587,812 alleles (0.0066%); highest among the groups gnomAD compares: Non-Finnish European, 0.0088%; no homozygotes.

Submissions (3):

GeneDx
Classification: Likely pathogenic. Last evaluated: 2025-12-01. Review status: criteria provided, single submitter. Criteria: GeneDx Variant Classification Process June 2021. Collection method: clinical testing. Allele origin: germline. Affected: yes.
Comment: Not observed at significant frequency in large population cohorts (gnomAD); In silico analysis supports that this missense variant has a deleterious effect on protein structure/function; Has not been previously published as pathogenic or benign to our knowledge

Ambry Genetics
Classification: Uncertain significance for Inborn genetic diseases. Last evaluated: 2023-03-24. Review status: criteria provided, single submitter. Criteria: Ambry Variant Classification Scheme 2023. Collection method: clinical testing. Allele origin: germline.

Labcorp Genetics (formerly Invitae), Labcorp
Classification: Uncertain significance for Neonatal-onset encephalopathy with rigidity and seizures. Last evaluated: 2021-10-25. Review status: criteria provided, single submitter. Criteria: Invitae Variant Classification Sherloc (09022015). Collection method: clinical testing. Allele origin: germline.
Comment: This sequence change replaces serine with proline at codon 519 of the BRAT1 protein (p.Ser519Pro). The serine residue is highly conserved and there is a moderate physicochemical difference between serine and proline. This variant is not present in population databases (ExAC no frequency). This variant has not been reported in the literature in individuals affected with BRAT1-related conditions. Algorithms developed to predict the effect of missense changes on protein structure and function (SIFT, PolyPhen-2, Align-GVGD) all suggest that this variant is likely to be disruptive. In summary, the available evidence is currently insufficient to determine the role of this variant in disease. Therefore, it has been classified as a Variant of Uncertain Significance.